The following is an entry in ClinVar:

ClinVar aggregate classification (germline): Pathogenic. Review status: reviewed by expert panel (3 of 4 stars). 4 submissions from 4 submitters: Pathogenic (1). 3 of the submissions do not count toward it. Last evaluated 2017-12-15.

Conditions:
Hereditary breast ovarian cancer syndrome. Also called: Hereditary breast and ovarian cancer syndrome; Hereditary breast and ovarian cancer; Hereditary breast and ovarian cancer syndrome (HBOC); Breast and ovarian cancer; Hereditary breast and/or ovarian cancer syndrome; BRCA1- and BRCA2-Associated Hereditary Breast and Ovarian Cancer. Identifiers: Orphanet 145, MedGen C0677776, MeSH D061325, MONDO:0003582. Disease mechanism: loss of function.
Breast-ovarian cancer, familial, susceptibility to, 2 (BROVCA2). Also called: BRCA2 Hereditary Breast and Ovarian Cancer. Identifiers: Orphanet 145, MedGen C2675520, MONDO:0012933, OMIM 612555. Disease mechanism: loss of function.
Familial cancer of breast. Also called: BREAST CANCER, FAMILIAL; Hereditary breast cancer; hereditary breast carcinoma. Identifiers: Orphanet 227535, MedGen C0346153, MONDO:0016419, OMIM 114480. Disease mechanism: loss of function.
BRCA2-related cancer predisposition. Identifiers: MedGen CN377758, MONDO:0700269.

Submissions (4):

Evidence-based Network for the Interpretation of Germline Mutant Alleles (ENIGMA)
Classification: Pathogenic for Breast-ovarian cancer, familial, susceptibility to, 2. Last evaluated: 2017-12-15. Review status: reviewed by expert panel. Criteria: ENIGMA BRCA1/2 Classification Criteria (2017-06-29). Collection method: curation. Allele origin: germline. Study: ENIGMA.
Comment: Variant allele predicted to encode a truncated non-functional protein.

Labcorp Genetics (formerly Invitae), Labcorp
Classification: Pathogenic for Hereditary breast ovarian cancer syndrome. Last evaluated: 2025-11-19. Review status: criteria provided, single submitter. Criteria: Invitae Variant Classification Sherloc (09022015). Collection method: clinical testing. Allele origin: germline. Not counted in ClinVar's aggregate classification.
Comment: This sequence change creates a premature translational stop signal (p.Asn2146Thrfs*21) in the BRCA2 gene. It is expected to result in an absent or disrupted protein product. Loss-of-function variants in BRCA2 are known to be pathogenic (PMID: 20104584). This variant is not present in population databases (gnomAD no frequency). This premature translational stop signal has been observed in individual(s) with breast and/or ovarian cancer (PMID: 19656164, 28111427). ClinVar contains an entry for this variant (Variation ID: 52095). For these reasons, this variant has been classified as Pathogenic.

Department of Pathology and Laboratory Medicine, Sinai Health System
Classification: Pathogenic for BRCA2-related cancer predisposition. Last evaluated: 2024-11-11. Review status: criteria provided, single submitter. Criteria: ACMG Guidelines, 2015. Collection method: clinical testing. Allele origin: germline. Not counted in ClinVar's aggregate classification.

ClinVar Staff, National Center for Biotechnology Information (NCBI)
No classification provided. Condition: Familial cancer of breast. Review status: no classification provided. Collection method: literature only. Allele origin: germline. Affected: yes. Not counted in ClinVar's aggregate classification.

Literature cited by the submitters: PubMed 20104584 (cited by Labcorp Genetics (formerly Invitae), Labcorp); PubMed 19656164 (cited by 3 submitters); PubMed 28111427 (cited by Labcorp Genetics (formerly Invitae), Labcorp and Department of Pathology and Laboratory Medicine, Sinai Health System).

NM_000059.4(BRCA2):c.6437_6440del (p.Asn2146fs)

Gene: BRCA2 (BRCA2 DNA repair associated; plus strand). Cytogenetic location: 13q13.1.
Variant type: Deletion.
Coding change: c.6437_6440del on transcript NM_000059.4 (MANE Select); coding-DNA positions 6437 to 6440, 4 bases deleted (ATCA; older notation c.6437_6440delATCA).
Protein change: p.Asn2146fs; shifts the reading frame from asparagine 2146.
Molecular consequence: frameshift variant.
Genome position (GRCh38, 1-based): chr13:32,340,792-32,340,795, ATCA deleted; deleting any 4 consecutive bases within chr13:32,340,791-32,340,795 gives the same sequence; the c. name uses the placement nearest the transcript's 3' end. VCF-style (leftmost placement, unchanged base first): chr13-32340790-TAATC-T. GRCh37 (hg19) VCF-style: chr13-32914927-TAATC-T.
Other names: c.6437_6440delATCA (NM_000059.3); short protein forms N2146fs.
Identifiers: ClinVar variation 52095 (VCV000052095.13), dbSNP rs397507855, ClinGen allele CA024033.
Genomic context (GRCh38, chr13:32,340,790, plus strand): 5'-CTGCAGTAAAGAATTTAAATTATCAAATAACTTAAATGTTGAAGGTGGTTCTTCAGAAAA[TAATC>T]ACTCTATTAAAGTTTCTCCATATCTCTCTCAATTTCAACAAGACAAACAACAGTTGGTAT-3'